The following is an entry in ClinVar:

NM_014339.7(IL17RA):c.2596G>A (p.Ala866Thr)

Gene: IL17RA (interleukin 17 receptor A; plus strand). Cytogenetic location: 22q11.1.
Variant type: single nucleotide variant.
Coding change: c.2596G>A on transcript NM_014339.7 (MANE Select); coding-DNA position 2596, G replaced by A.
Protein change: p.Ala866Thr; replaces alanine 866 with threonine.
Molecular consequence: missense variant.
Genome position (GRCh38, 1-based): chr22:17,109,815, G>A. VCF-style: chr22-17109815-G-A. GRCh37 (hg19) VCF-style: chr22-17590705-G-A.
Other names: c.2596G>A (NM_014339.5); c.2494G>A, p.Ala832Thr (NM_001289905.2); short protein forms A866T, A832T.
Identifiers: ClinVar variation 970172 (VCV000970172.10), dbSNP rs752247864, ClinGen allele CA10087018.

ClinVar aggregate classification (germline): Uncertain significance. Review status: criteria provided, multiple submitters, no conflicts (2 of 4 stars). 2 submissions from 2 submitters: Uncertain significance (2). Last evaluated 2024-01-15.

Conditions:
Immunodeficiency 51 (IMD51). Also called: CANDIDIASIS, FAMILIAL, 5. Identifiers: Orphanet 1334, MedGen C4310803, MONDO:0013500, OMIM 613953.

Allele frequency attached by ClinVar (database versions not stated): ExAC below 0.00001; gnomAD exomes 0.00001 and 0.00004; TOPMed 0.00002; gnomAD 0.00003 and 0.00004.

Submissions (2):

Labcorp Genetics (formerly Invitae), Labcorp
Classification: Uncertain significance for Immunodeficiency 51. Last evaluated: 2024-01-15. Review status: criteria provided, single submitter. Criteria: Invitae Variant Classification Sherloc (09022015). Collection method: clinical testing. Allele origin: germline.
Comment: This sequence change replaces alanine, which is neutral and non-polar, with threonine, which is neutral and polar, at codon 866 of the IL17RA protein (p.Ala866Thr). This variant is present in population databases (rs752247864, gnomAD 0.003%). This variant has not been reported in the literature in individuals affected with IL17RA-related conditions. ClinVar contains an entry for this variant (Variation ID: 970172). Algorithms developed to predict the effect of missense changes on protein structure and function output the following: SIFT: "Not Available"; PolyPhen-2: "Benign"; Align-GVGD: "Not Available". The threonine amino acid residue is found in multiple mammalian species, which suggests that this missense change does not adversely affect protein function. In summary, the available evidence is currently insufficient to determine the role of this variant in disease. Therefore, it has been classified as a Variant of Uncertain Significance.

Ambry Genetics
Classification: Uncertain significance. Last evaluated: 2022-09-26. Review status: criteria provided, single submitter. Criteria: Ambry Variant Classification Scheme 2023. Collection method: clinical testing. Allele origin: germline.